The following is an entry in ClinVar:

NM_001318852.2(MAPK8IP3):c.2630-2_2630-1del

Gene: MAPK8IP3 (mitogen-activated protein kinase 8 interacting protein 3; plus strand). Cytogenetic location: 16p13.3.
Variant type: Deletion.
Coding change: c.2630-2_2630-1del on transcript NM_001318852.2 (MANE Select); the canonical splice acceptor site of the intron before coding-DNA position 2630, 2 bases deleted (AG; older notation c.2630-2_2630-1delAG).
Molecular consequence: splice acceptor variant.
Genome position (GRCh38, 1-based): chr16:1,766,218-1,766,219, AG deleted. VCF-style (leftmost placement, unchanged base first): chr16-1766217-CAG-C. GRCh37 (hg19) VCF-style: chr16-1816218-CAG-C.
Other names: c.2627-2_2627-1del (NM_015133.5); c.2609-2_2609-1del (NM_001040439.2).
Identifiers: ClinVar variation 3901519 (VCV003901519.1).

ClinVar aggregate classification (germline): Likely pathogenic (1 of 4 stars; one submission).

Submission:

GeneDx
Classification: Likely pathogenic. Last evaluated: 2024-12-06. Review status: criteria provided, single submitter. Criteria: GeneDx Variant Classification Process June 2021. Collection method: clinical testing. Allele origin: germline. Affected: yes.
Comment: Canonical splice site variant predicted to result in a null allele in a gene for which loss-of-function is a known mechanism of disease; Not observed at significant frequency in large population cohorts (gnomAD); Has not been previously published as pathogenic or benign to our knowledge